The following is an entry in ClinVar:

ClinVar aggregate classification (germline): Uncertain significance (1 of 4 stars; one submission).

Conditions:
Hereditary cancer-predisposing syndrome. Also called: Neoplastic Syndromes, Hereditary; Tumor predisposition; Hereditary Cancer Syndrome; Hereditary neoplastic syndrome. Identifiers: Orphanet 140162, MedGen C0027672, MeSH D009386, MONDO:0015356.

gnomAD v4.1: 1 of 1,614,172 alleles (0.000062%); highest among the groups gnomAD compares: Admixed American, 0.0017%; no homozygotes.

Submission:

Ambry Genetics
Classification: Uncertain significance for Hereditary cancer-predisposing syndrome. Last evaluated: 2025-11-03. Review status: criteria provided, single submitter. Criteria: Ambry Variant Classification Scheme 2023. Collection method: clinical testing. Allele origin: germline.
Comment: The p.Q364R variant (also known as c.1091A>G), located in coding exon 4 of the ALK gene, results from an A to G substitution at nucleotide position 1091. The glutamine at codon 364 is replaced by arginine, an amino acid with highly similar properties. This amino acid position is conserved. In addition, this alteration is predicted to be tolerated by in silico analysis. Based on the available evidence, the clinical significance of this variant remains unclear.

NM_004304.5(ALK):c.1091A>G (p.Gln364Arg)

Gene: ALK (ALK receptor tyrosine kinase; minus strand). Cytogenetic location: 2p23.2.
Variant type: single nucleotide variant.
Coding change: c.1091A>G on transcript NM_004304.5 (MANE Select); coding-DNA position 1091, A replaced by G.
Protein change: p.Gln364Arg; replaces glutamine 364 with arginine.
Molecular consequence: missense variant.
Genome position (GRCh38, 1-based): chr2:29,531,978, T>C on the plus strand (A>G on the coding strand, the complement: ALK is on the minus strand). VCF-style: chr2-29531978-T-C. GRCh37 (hg19) VCF-style: chr2-29754844-T-C.
Other names: short protein forms Q364R.
Identifiers: ClinVar variation 4677805 (VCV004677805.1).
Genomic context (GRCh38, chr2:29,531,978, plus strand): 5'-TGCTTCCCTGGAGTGGGCATCAGGAGGATCTCTCTTGCAGCCTCGTTGTGGGGCAGCAGC[T>C]GGGCAATGTACCTTCCAGAGGGCTGCAGGTGCCTGTGCACCGAGACGGCCAGTGTGCAGT-3'
Protein context (NP_004295.2, residues 354-374): HLQPSGRYIA[Gln364Arg]LLPHNEAARE